The following is an entry in ClinVar:

ClinVar aggregate classification (germline): Uncertain significance (1 of 4 stars; one submission).

Submission:

Labcorp Genetics (formerly Invitae), Labcorp
Classification: Uncertain significance. Last evaluated: 2023-09-08. Review status: criteria provided, single submitter. Criteria: Invitae Variant Classification Sherloc (09022015). Collection method: clinical testing. Allele origin: germline.
Comment: This sequence change replaces glutamic acid, which is acidic and polar, with glutamine, which is neutral and polar, at codon 661 of the LRP5 protein (p.Glu661Gln). This variant is not present in population databases (gnomAD no frequency). This variant has not been reported in the literature in individuals affected with LRP5-related conditions. Advanced modeling of protein sequence and biophysical properties (such as structural, functional, and spatial information, amino acid conservation, physicochemical variation, residue mobility, and thermodynamic stability) performed at Invitae indicates that this missense variant is not expected to disrupt LRP5 protein function. In summary, the available evidence is currently insufficient to determine the role of this variant in disease. Therefore, it has been classified as a Variant of Uncertain Significance.

NM_002335.4(LRP5):c.1981G>C (p.Glu661Gln)

Gene: LRP5 (LDL receptor related protein 5; plus strand). Cytogenetic location: 11q13.2.
Variant type: single nucleotide variant.
Coding change: c.1981G>C on transcript NM_002335.4 (MANE Select); coding-DNA position 1981, G replaced by C.
Protein change: p.Glu661Gln; replaces glutamic acid 661 with glutamine.
Molecular consequence: missense variant.
Genome position (GRCh38, 1-based): chr11:68,406,703, G>C. VCF-style: chr11-68406703-G-C. GRCh37 (hg19) VCF-style: chr11-68174171-G-C.
Other names: c.238G>C, p.Glu80Gln (NM_001291902.2); short protein forms E661Q, E80Q.
Identifiers: ClinVar variation 2758821 (VCV002758821.3), dbSNP rs995559075, ClinGen allele CA381615700.
Genomic context (GRCh38, chr11:68,406,703, plus strand): 5'-ATCGTGCCTGAGGCCTTCTTGGTCTTCACCAGCAGAGCCGCCATCCACAGGATCTCCCTC[G>C]AGACCAATAACAACGACGTGGCCATCCCGCTCACGGGCGTCAAGGAGGCCTCAGCCCTGG-3'
Protein context (NP_002326.2, residues 651-671): SRAAIHRISL[Glu661Gln]TNNNDVAIPL